The following is an entry in ClinVar:

NM_006270.5(RRAS):c.328A>C (p.Ile110Leu)

Gene: RRAS (RAS related; minus strand). Cytogenetic location: 19q13.33.
Variant type: single nucleotide variant.
Coding change: c.328A>C on transcript NM_006270.5 (MANE Select); coding-DNA position 328, A replaced by C.
Protein change: p.Ile110Leu; replaces isoleucine 110 with leucine.
Molecular consequence: missense variant.
Genome position (GRCh38, 1-based): chr19:49,636,840, T>G on the plus strand (A>C on the coding strand, the complement: RRAS is on the minus strand). VCF-style: chr19-49636840-T-G. GRCh37 (hg19) VCF-style: chr19-50140097-T-G.
Other names: short protein forms I110L.
Identifiers: ClinVar variation 3435497 (VCV003435497.1).
Genomic context (GRCh38, chr19:49,636,840, plus strand): 5'-TCCCCACACCCACCCACTGCTCCGCCACCAGCAACCCCTGTCACCTCTGCCGGTCGTTAA[T>G]GGCGAACACCAGCAGGAAGCCGTGGCCAGCACGCATGTACTGCTCTCTCATGGCCCCGAA-3'
Protein context (NP_006261.1, residues 100-120): AGHGFLLVFA[Ile110Leu]NDRQSFNEVG

ClinVar aggregate classification (germline): Uncertain significance (1 of 4 stars; one submission).

gnomAD v4.1: 2 of 1,613,266 alleles (0.00012%); highest among the groups gnomAD compares: Non-Finnish European, 0.00017%; no homozygotes.

Submission:

Ambry Genetics
Classification: Uncertain significance. Last evaluated: 2024-11-01. Review status: criteria provided, single submitter. Criteria: Ambry Variant Classification Scheme 2023. Collection method: clinical testing. Allele origin: germline.
Comment: The p.I110L variant (also known as c.328A>C), located in coding exon 3 of the RRAS gene, results from an A to C substitution at nucleotide position 328. The isoleucine at codon 110 is replaced by leucine, an amino acid with highly similar properties. This amino acid position is conserved. In addition, this alteration is predicted to be tolerated by in silico analysis. Based on the available evidence, the clinical significance of this variant remains unclear.